The following is an entry in ClinVar:

NM_002437.5(MPV17):c.370C>T (p.Gln124Ter)

Gene: MPV17 (mitochondrial inner membrane protein MPV17; minus strand). Cytogenetic location: 2p23.3.
Variant type: single nucleotide variant.
Coding change: c.370C>T on transcript NM_002437.5 (MANE Select); coding-DNA position 370, C replaced by T.
Protein change: p.Gln124Ter; replaces glutamine 124 with a stop codon.
Molecular consequence: nonsense.
Genome position (GRCh38, 1-based): chr2:27,312,499, G>A on the plus strand (C>T on the coding strand, the complement: MPV17 is on the minus strand). VCF-style: chr2-27312499-G-A. GRCh37 (hg19) VCF-style: chr2-27535366-G-A.
Other names: p.Q124*:CAG>TAG; short protein forms Q124*.
Identifiers: ClinVar variation 214664 (VCV000214664.11), dbSNP rs863224074, ClinGen allele CA320951.

ClinVar aggregate classification (germline): Pathogenic/Likely pathogenic. Review status: criteria provided, multiple submitters, no conflicts (2 of 4 stars). 6 submissions from 6 submitters: Pathogenic (2); Likely pathogenic (4). Last evaluated 2026-03-25.

Conditions:
Mitochondrial DNA depletion syndrome, hepatocerebral form. Identifiers: Orphanet 254871, MedGen C3711385, MONDO:0100512.
Charcot-Marie-Tooth disease, axonal, type 2EE. Also called: CHARCOT-MARIE-TOOTH NEUROPATHY, TYPE 2EE. Identifiers: MedGen C5193076, MONDO:0032728, OMIM 618400.
Mitochondrial DNA depletion syndrome 6 (hepatocerebral type). Also called: Navajo neurohepatopathy; NAVAJO NEUROPATHY; Mitochondrial DNA depletion syndrome type 6. Identifiers: Orphanet 255229, MedGen C1850406, MONDO:0009747, OMIM 256810.
MPV17-related disorder. Also called: MPV17-related disorders; MPV17-related condition. Identifiers: MedGen CN239328.

Allele frequency attached by ClinVar (database versions not stated): gnomAD exomes below 0.00001; TOPMed below 0.00001; gnomAD 0.00001.
gnomAD v4.1: 3 of 1,613,940 alleles (0.00019%); highest among the groups gnomAD compares: South Asian, 0.0011%; no homozygotes.

Submissions (6):

PreventionGenetics, part of Exact Sciences
Classification: Likely pathogenic for MPV17-related condition. Last evaluated: 2026-03-25. Review status: criteria provided, single submitter. Criteria: ACMG Guidelines, 2015. Collection method: clinical testing. Allele origin: germline.
Comment: The MPV17 c.370C>T variant is predicted to result in premature protein termination (p.Gln124*). To our knowledge, this variant has not been reported in the literature or in a large population database (gnomAD), indicating this variant is rare. Nonsense variants in MPV17 are expected to be pathogenic. This variant is interpreted as likely pathogenic.

Natera, Inc.
Classification: Likely pathogenic for Mitochondrial DNA depletion syndrome, hepatocerebral form. Last evaluated: 2025-08-14. Review status: criteria provided, single submitter. Criteria: Natera Variant Classification Schema (03/2026). Collection method: clinical testing. Allele origin: germline.
Comment: The c.370C>T variant in MPV17 is a nonsense variant predicted to introduce a stop codon at amino acid 124. This variant is expected to result in nonsense mediated decay, truncation, or a dysfunctional protein product. This variant is rare in the general population with a frequency below the threshold expected for the associated phenotype(s). Given the available evidence, this variant is classified as Likely Pathogenic.

Baylor Genetics
Classification: Likely pathogenic for Charcot-Marie-Tooth disease, axonal, type 2EE. Last evaluated: 2023-07-18. Review status: criteria provided, single submitter. Criteria: ACMG Guidelines, 2015. Collection method: clinical testing. Allele origin: unknown.

Labcorp Genetics (formerly Invitae), Labcorp
Classification: Pathogenic. Last evaluated: 2022-03-11. Review status: criteria provided, single submitter. Criteria: Invitae Variant Classification Sherloc (09022015). Collection method: clinical testing. Allele origin: germline.
Comment: For these reasons, this variant has been classified as Pathogenic. Algorithms developed to predict the effect of sequence changes on RNA splicing suggest that this variant may disrupt the consensus splice site. ClinVar contains an entry for this variant (Variation ID: 214664). This variant has not been reported in the literature in individuals affected with MPV17-related conditions. This variant is not present in population databases (gnomAD no frequency). This sequence change creates a premature translational stop signal (p.Gln124*) in the MPV17 gene. It is expected to result in an absent or disrupted protein product. Loss-of-function variants in MPV17 are known to be pathogenic (PMID: 23714749).

GeneDx
Classification: Pathogenic. Last evaluated: 2015-02-11. Review status: criteria provided, single submitter. Criteria: GeneDx Variant Classification (06012015). Collection method: clinical testing. Allele origin: germline. Affected: yes.
Comment: p.Gln124Ter (CAG>TAG): c.370 C>T in exon 5 of the MPV17 gene (NM_002437.4) The Q124X nonsense mutation in the MPV17 gene is predicted to cause loss of normal protein function either through protein truncation or nonsense-mediated mRNA decay. Although this mutation has not been reported previously to our knowledge, it is expected to be a pathogenic mutation. The variant is found in MITONUC-MITOP panel(s).

Juno Genomics, Hangzhou Juno Genomics, Inc
Classification: Likely pathogenic for Charcot-Marie-Tooth disease, axonal, type 2EE; Mitochondrial DNA depletion syndrome 6 (hepatocerebral type). Review status: criteria provided, single submitter. Criteria: ACMG Guidelines, 2015. Collection method: clinical testing. Allele origin: germline.
Comment: Absent from controls (or at extremely low frequency if recessive) in Genome Aggregation Database.;Null variant in a gene where loss of function (LOF) is a known mechanism of disease.

Literature cited by the submitters: PubMed 23714749 (cited by Labcorp Genetics (formerly Invitae), Labcorp).